The following is an entry in ClinVar:

ClinVar aggregate classification (germline): Uncertain significance (1 of 4 stars; one submission).

Conditions:
Inborn genetic diseases. Identifiers: MedGen C0950123, MeSH D030342.

Allele frequency attached by ClinVar (database versions not stated): TOPMed below 0.00001.

Submission:

Ambry Genetics
Classification: Uncertain significance for Inborn genetic diseases. Last evaluated: 2017-05-26. Review status: criteria provided, single submitter. Criteria: Ambry Variant Classification Scheme 2023. Collection method: clinical testing. Allele origin: germline.
Comment: The p.E448G variant (also known as c.1343A>G), located in coding exon 3 of the CHD8 gene, results from an A to G substitution at nucleotide position 1343. The glutamic acid at codon 448 is replaced by glycine, an amino acid with similar properties. This amino acid position is highly conserved in available vertebrate species. In addition, this alteration is predicted to be tolerated by in silico analysis. Since supporting evidence is limited at this time, the clinical significance of this alteration remains unclear.

NM_001170629.2(CHD8):c.1343A>G (p.Glu448Gly)

Gene: CHD8 (chromodomain helicase DNA binding protein 8; minus strand). Cytogenetic location: 14q11.2.
Variant type: single nucleotide variant.
Coding change: c.1343A>G on transcript NM_001170629.2 (MANE Select); coding-DNA position 1343, A replaced by G.
Protein change: p.Glu448Gly; replaces glutamic acid 448 with glycine.
Molecular consequence: missense variant.
Genome position (GRCh38, 1-based): chr14:21,428,127, T>C on the plus strand (A>G on the coding strand, the complement: CHD8 is on the minus strand). VCF-style: chr14-21428127-T-C. GRCh37 (hg19) VCF-style: chr14-21896286-T-C.
Other names: c.506A>G, p.Glu169Gly (NM_020920.4); short protein forms E169G, E448G.
Identifiers: ClinVar variation 589130 (VCV000589130.5), dbSNP rs1566443647, ClinGen allele CA388883508.